The following is an entry in ClinVar:

ClinVar aggregate classification (germline): Likely benign. Review status: criteria provided, multiple submitters, no conflicts (2 of 4 stars). 2 submissions from 2 submitters: Likely benign (2). Last evaluated 2025-08-26.

Conditions:
Metachromatic leukodystrophy (MLD). Also called: ARSA DEFICIENCY; CEREBROSIDE SULFATASE DEFICIENCY; Cerebral sclerosis diffuse metachromatic form; SULFATIDE LIPIDOSIS; Arylsulfatase A Deficiency; METACHROMATIC LEUKOENCEPHALOPATHY. Identifiers: Orphanet 512, MedGen C0023522, MONDO:0018868, OMIM 250100.

Allele frequency attached by ClinVar (database versions not stated): gnomAD exomes below 0.00001 and 0.00004; TOPMed below 0.00001; gnomAD 0.00001.
gnomAD v4.1: 63 of 1,612,704 alleles (0.0039%); highest among the groups gnomAD compares: Non-Finnish European, 0.0051%; no homozygotes.

Submissions (2):

Mayo Clinic Laboratories, Mayo Clinic
Classification: Likely benign. Last evaluated: 2025-08-26. Review status: criteria provided, single submitter. Criteria: ACMG Guidelines, 2015. Collection method: clinical testing. Allele origin: germline. Observed: 1 variant allele.
Comment: BP4, BP7

Labcorp Genetics (formerly Invitae), Labcorp
Classification: Likely benign for Metachromatic leukodystrophy. Last evaluated: 2023-09-08. Review status: criteria provided, single submitter. Criteria: Invitae Variant Classification Sherloc (09022015). Collection method: clinical testing. Allele origin: germline.

NM_000487.6(ARSA):c.1359G>A (p.Glu453=)

Gene: ARSA (arylsulfatase A; minus strand). Cytogenetic location: 22q13.33.
Variant type: single nucleotide variant.
Coding change: c.1359G>A on transcript NM_000487.6 (MANE Select); coding-DNA position 1359, G replaced by A.
Protein change: p.Glu453=; no amino-acid change (glutamic acid 453 retained).
Molecular consequence: synonymous variant.
Genome position (GRCh38, 1-based): chr22:50,625,316, C>T on the plus strand (G>A on the coding strand, the complement: ARSA is on the minus strand). VCF-style: chr22-50625316-C-T. GRCh37 (hg19) VCF-style: chr22-51063744-C-T.
Other names: p.Glu453=; c.1359G>A, p.Glu453= (NM_001085425.3, NM_001085426.3, NM_001085427.3); c.1101G>A, p.Glu367= (NM_001085428.3, NM_001362782.2).
Identifiers: ClinVar variation 1115224 (VCV001115224.10), dbSNP rs1240594590, ClinGen allele CA515391277.